The following is an entry in ClinVar:

NM_007194.4(CHEK2):c.599T>A (p.Val200Asp)

Gene: CHEK2 (checkpoint kinase 2; minus strand). Cytogenetic location: 22q12.1.
Variant type: single nucleotide variant.
Coding change: c.599T>A on transcript NM_007194.4 (MANE Select); coding-DNA position 599, T replaced by A.
Protein change: p.Val200Asp; replaces valine 200 with aspartic acid.
Molecular consequence: missense variant. On other transcripts: 5 prime UTR variant (2), intron variant (1).
Genome position (GRCh38, 1-based): chr22:28,719,479, A>T on the plus strand (T>A on the coding strand, the complement: CHEK2 is on the minus strand). VCF-style: chr22-28719479-A-T. GRCh37 (hg19) VCF-style: chr22-29115467-A-T.
Other names: c.728T>A, p.Val243Asp (NM_001005735.3, NM_001438294.1); c.-65T>A (NM_001257387.3, NM_001437942.1); c.692T>A, p.Val231Asp (NM_001438293.1, NM_001438295.1); c.599T>A, p.Val200Asp (NM_145862.3); c.482+5407T>A (NM_001349956.3); short protein forms V243D, V200D, V231D.
Identifiers: ClinVar variation 2837346 (VCV002837346.3), dbSNP rs2053696720, ClinGen allele CA411105147.

ClinVar aggregate classification (germline): Uncertain significance (1 of 4 stars; one submission).

Conditions:
Familial cancer of breast. Also called: hereditary breast carcinoma; BREAST CANCER, FAMILIAL; Hereditary breast cancer. Identifiers: Orphanet 227535, MedGen C0346153, MONDO:0016419, OMIM 114480. Disease mechanism: loss of function.

Submission:

Labcorp Genetics (formerly Invitae), Labcorp
Classification: Uncertain significance for Familial cancer of breast. Last evaluated: 2023-02-14. Review status: criteria provided, single submitter. Criteria: Invitae Variant Classification Sherloc (09022015). Collection method: clinical testing. Allele origin: germline.
Comment: In summary, the available evidence is currently insufficient to determine the role of this variant in disease. Therefore, it has been classified as a Variant of Uncertain Significance. Studies have shown this missense change is associated with skipping of exon 5, but one or more of the resulting mRNA isoform(s) may be naturally occurring (Invitae). Algorithms developed to predict the effect of missense changes on protein structure and function are either unavailable or do not agree on the potential impact of this missense change (SIFT: "Deleterious"; PolyPhen-2: "Probably Damaging"; Align-GVGD: "Class C15"). This variant has not been reported in the literature in individuals affected with CHEK2-related conditions. This variant is not present in population databases (gnomAD no frequency). This sequence change replaces valine, which is neutral and non-polar, with aspartic acid, which is acidic and polar, at codon 200 of the CHEK2 protein (p.Val200Asp).